The following is an entry in ClinVar:

ClinVar aggregate classification (germline): Uncertain significance. Review status: criteria provided, multiple submitters, no conflicts (2 of 4 stars). 2 submissions from 2 submitters: Uncertain significance (2). Last evaluated 2025-08-31.

Conditions:
Inborn genetic diseases. Identifiers: MedGen C0950123, MeSH D030342.

Submissions (2):

Ambry Genetics
Classification: Uncertain significance for Inborn genetic diseases. Last evaluated: 2025-08-31. Review status: criteria provided, single submitter. Criteria: Ambry Variant Classification Scheme 2023. Collection method: clinical testing. Allele origin: germline.

CeGaT Center for Human Genetics Tuebingen
Classification: Uncertain significance. Last evaluated: 2023-02-01. Review status: criteria provided, single submitter. Criteria: CeGaT Center For Human Genetics Tuebingen Variant Classification Criteria Version 2. Collection method: clinical testing. Allele origin: germline. Affected: yes. Observed: 1 variant allele.
Comment: ACAN: PM2

NM_001369268.1(ACAN):c.4210G>T (p.Ala1404Ser)

Gene: ACAN (aggrecan; plus strand). Cytogenetic location: 15q26.1.
Variant type: single nucleotide variant.
Coding change: c.4210G>T on transcript NM_001369268.1 (MANE Select); coding-DNA position 4210, G replaced by T.
Protein change: p.Ala1404Ser; replaces alanine 1404 with serine.
Molecular consequence: missense variant.
Genome position (GRCh38, 1-based): chr15:88,856,795, G>T. VCF-style: chr15-88856795-G-T. GRCh37 (hg19) VCF-style: chr15-89400026-G-T.
Other names: c.4210G>T, p.Ala1404Ser (NM_001135.4, NM_001411096.1, NM_001411097.1 and 1 more transcripts); c.4210G>T (NM_013227.3); short protein forms A1404S.
Identifiers: ClinVar variation 2645676 (VCV002645676.25), dbSNP rs886640161, ClinGen allele CA274481403.